The following is an entry in ClinVar:

ClinVar aggregate classification (germline): Uncertain significance (1 of 4 stars; one submission).

Allele frequency attached by ClinVar (database versions not stated): TOPMed 0.00001.
gnomAD v4.1: 15 of 1,613,706 alleles (0.00093%); highest among the groups gnomAD compares: Admixed American, 0.0033%; no homozygotes.

Submission:

Labcorp Genetics (formerly Invitae), Labcorp
Classification: Uncertain significance. Last evaluated: 2023-06-14. Review status: criteria provided, single submitter. Criteria: Invitae Variant Classification Sherloc (09022015). Collection method: clinical testing. Allele origin: germline.
Comment: This sequence change replaces threonine, which is neutral and polar, with methionine, which is neutral and non-polar, at codon 226 of the CLCN7 protein (p.Thr226Met). This variant is present in population databases (rs779246889, gnomAD 0.003%). This variant has not been reported in the literature in individuals affected with CLCN7-related conditions. ClinVar contains an entry for this variant (Variation ID: 998611). An algorithm developed to predict the effect of missense changes on protein structure and function (PolyPhen-2) suggests that this variant is likely to be disruptive. Algorithms developed to predict the effect of sequence changes on RNA splicing suggest that this variant may disrupt the consensus splice site. In summary, the available evidence is currently insufficient to determine the role of this variant in disease. Therefore, it has been classified as a Variant of Uncertain Significance.

NM_001287.6(CLCN7):c.677C>T (p.Thr226Met)

Gene: CLCN7 (chloride voltage-gated channel 7; minus strand). Cytogenetic location: 16p13.3.
Variant type: single nucleotide variant.
Coding change: c.677C>T on transcript NM_001287.6 (MANE Select); coding-DNA position 677, C replaced by T.
Protein change: p.Thr226Met; replaces threonine 226 with methionine.
Molecular consequence: missense variant.
Genome position (GRCh38, 1-based): chr16:1,457,755, G>A on the plus strand (C>T on the coding strand, the complement: CLCN7 is on the minus strand). VCF-style: chr16-1457755-G-A. GRCh37 (hg19) VCF-style: chr16-1507756-G-A.
Other names: c.605C>T, p.Thr202Met (NM_001114331.3); short protein forms T202M, T226M.
Identifiers: ClinVar variation 998611 (VCV000998611.8), dbSNP rs779246889, ClinGen allele CA7810643.